The following is an entry in ClinVar:

NM_015103.3(PLXND1):c.2608A>G (p.Met870Val)

Gene: PLXND1 (plexin D1; minus strand). Cytogenetic location: 3q22.1.
Variant type: single nucleotide variant.
Coding change: c.2608A>G on transcript NM_015103.3 (MANE Select); coding-DNA position 2608, A replaced by G.
Protein change: p.Met870Val; replaces methionine 870 with valine.
Molecular consequence: missense variant.
Genome position (GRCh38, 1-based): chr3:129,574,413, T>C on the plus strand (A>G on the coding strand, the complement: PLXND1 is on the minus strand). VCF-style: chr3-129574413-T-C. GRCh37 (hg19) VCF-style: chr3-129293256-T-C.
Other names: short protein forms M870V.
Identifiers: ClinVar variation 3060415 (VCV003060415.3), dbSNP rs2255703, ClinGen allele CA2608962.

ClinVar aggregate classification (germline): Benign. Review status: criteria provided, single submitter (1 of 4 stars). 2 submissions from 2 submitters: Benign (1). 1 of the submissions does not count toward it. Last evaluated 2024-11-26.

Conditions:
PLXND1-related disorder. Also called: PLXND1-related condition.

Allele frequency attached by ClinVar (database versions not stated): gnomAD exomes 0.39500; ExAC 0.42012; TOPMed 0.48255; ESP Exome Variant Server 0.48631; 1000 Genomes Project 0.51198; 1000 Genomes Project 30x 0.51405.

Submissions (2):

Blueprint Genetics
Classification: Benign. Last evaluated: 2024-11-26. Review status: criteria provided, single submitter. Criteria: ACMG Guidelines, 2015. Collection method: clinical testing. Allele origin: germline.

PreventionGenetics, part of Exact Sciences
Classification: Benign for PLXND1-related condition. Last evaluated: 2019-06-06. Review status: no assertion criteria provided. Collection method: clinical testing. Allele origin: germline. Not counted in ClinVar's aggregate classification.
Comment: This variant is classified as benign based on ACMG/AMP sequence variant interpretation guidelines (Richards et al. 2015 PMID: 25741868, with internal and published modifications).